The following is an entry in ClinVar:

NM_022726.4(ELOVL4):c.512T>A (p.Ile171Asn)

Gene: ELOVL4 (ELOVL fatty acid elongase 4; minus strand). Cytogenetic location: 6q14.1.
Variant type: single nucleotide variant.
Coding change: c.512T>A on transcript NM_022726.4 (MANE Select); coding-DNA position 512, T replaced by A.
Protein change: p.Ile171Asn; replaces isoleucine 171 with asparagine.
Molecular consequence: missense variant.
Genome position (GRCh38, 1-based): chr6:79,921,654, A>T on the plus strand (T>A on the coding strand, the complement: ELOVL4 is on the minus strand). VCF-style: chr6-79921654-A-T. GRCh37 (hg19) VCF-style: chr6-80631371-A-T.
Other names: short protein forms I171N.
Identifiers: ClinVar variation 4855356 (VCV004855356.1).

ClinVar aggregate classification (germline): Uncertain significance (1 of 4 stars; one submission).

Conditions:
Spinocerebellar ataxia type 34 (SCA34). Identifiers: Orphanet 1955, MedGen C1851481, MONDO:0007574, OMIM 133190.

Submission:

3billion
Classification: Uncertain significance for Spinocerebellar ataxia type 34. Last evaluated: 2026-01-30. Review status: criteria provided, single submitter. Criteria: ACMG Guidelines, 2015. Collection method: clinical testing. Allele origin: germline. Affected: yes.
Comment: The variant is not observed in the gnomAD v4.1.0 dataset. Predicted Consequence/Location: Missense variant Damaging effect on gene or gene product predicted by in silico programs is uncertain [REVEL: 0.46 (damaging >=0.6, benign <0.4), 3Cnet: 0.15 (damaging >0.75, benign <0.1)]. Different missense changes at the same codon (p.Ile171Leu, p.Ile171Thr) have been reported as pathogenic/likely pathogenic with strong evidence (ClinVar ID: VCV000435057, VCV003337077 /PMID: 37787810). Therefore, this variant is classified as VUS according to the recommendation of ACMG/AMP guideline.

Literature cited by the submitters: PubMed 37787810.